The following is an entry in ClinVar:

NM_014000.3(VCL):c.1882G>A (p.Glu628Lys)

Gene: VCL (vinculin; plus strand). Cytogenetic location: 10q22.2.
Variant type: single nucleotide variant.
Coding change: c.1882G>A on transcript NM_014000.3 (MANE Select); coding-DNA position 1882, G replaced by A.
Protein change: p.Glu628Lys; replaces glutamic acid 628 with lysine.
Molecular consequence: missense variant.
Genome position (GRCh38, 1-based): chr10:74,100,957, G>A. VCF-style: chr10-74100957-G-A. GRCh37 (hg19) VCF-style: chr10-75860715-G-A.
Other names: c.1882G>A, p.Glu628Lys (NM_003373.4); short protein forms E628K.
Identifiers: ClinVar variation 2164649 (VCV002164649.4), dbSNP rs2549229666, ClinGen allele CA377277363.
Genomic context (GRCh38, chr10:74,100,957, plus strand): 5'-CTGACCCATTTTATTGAAATAAATGTTCTTAATATCTGTTTTTTCCTCAAGGTATTTGAT[G>A]AGAGGGCAGCTAACTTTGAAAACCATTCAGGAAAGCTTGGTGCTACGGCCGAGAAGGCGG-3'
Protein context (NP_054706.1, residues 618-638): DAPNREEVFD[Glu628Lys]RAANFENHSG

ClinVar aggregate classification (germline): Uncertain significance (1 of 4 stars; one submission).

Conditions:
Dilated cardiomyopathy 1W (CMD1W). Identifiers: Orphanet 154, MedGen C1969639, MONDO:0012667, OMIM 611407.

Submission:

Labcorp Genetics (formerly Invitae), Labcorp
Classification: Uncertain significance for Dilated cardiomyopathy 1W. Last evaluated: 2026-01-15. Review status: criteria provided, single submitter. Criteria: Invitae Variant Classification Sherloc (09022015). Collection method: clinical testing. Allele origin: germline.
Comment: This sequence change replaces glutamic acid, which is acidic and polar, with lysine, which is basic and polar, at codon 628 of the VCL protein (p.Glu628Lys). This variant is not present in population databases (gnomAD no frequency). This variant has not been reported in the literature in individuals affected with VCL-related conditions. ClinVar contains an entry for this variant (Variation ID: 2164649). An algorithm developed to predict the effect of missense changes on protein structure and function (PolyPhen-2) suggests that this variant is likely to be disruptive. In summary, the available evidence is currently insufficient to determine the role of this variant in disease. Therefore, it has been classified as a Variant of Uncertain Significance.